The following is an entry in ClinVar:

NM_001329943.3(KIAA0586):c.3034G>T (p.Ala1012Ser)

Gene: KIAA0586 (KIAA0586; plus strand). Cytogenetic location: 14q23.1.
Variant type: single nucleotide variant.
Coding change: c.3034G>T on transcript NM_001329943.3 (MANE Select); coding-DNA position 3034, G replaced by T.
Protein change: p.Ala1012Ser; replaces alanine 1012 with serine.
Molecular consequence: missense variant.
Genome position (GRCh38, 1-based): chr14:58,482,602, G>T. VCF-style: chr14-58482602-G-T. GRCh37 (hg19) VCF-style: chr14-58949320-G-T.
Other names: c.3193G>T, p.Ala1065Ser (NM_001244189.2); c.2989G>T, p.Ala997Ser (NM_001244190.2); c.2779G>T, p.Ala927Ser (NM_001244191.2, NM_001329945.2, NM_001364700.1 and 1 more transcripts); c.2902G>T, p.Ala968Ser (NM_001244192.2); c.2614G>T, p.Ala872Ser (NM_001244193.2); c.3034G>T, p.Ala1012Ser (NM_001329944.2, NM_001329946.2, NM_001329947.2); c.2806G>T, p.Ala936Ser (NM_014749.5); short protein forms A927S, A997S, A1012S, A1065S, A968S, A872S, A936S.
Identifiers: ClinVar variation 2692545 (VCV002692545.2), dbSNP rs2543533869, ClinGen allele CA389879880.

ClinVar aggregate classification (germline): Uncertain significance. Review status: criteria provided, multiple submitters, no conflicts (2 of 4 stars). 2 submissions from 2 submitters: Uncertain significance (2). Last evaluated 2023-10-12.

Allele frequency attached by ClinVar (database versions not stated): gnomAD exomes below 0.00001.
gnomAD v4.1: 1 of 1,606,952 alleles (0.000062%); highest among the groups gnomAD compares: African/African-American, 0.0013%; no homozygotes.

Submissions (2):

Greenwood Genetic Center Diagnostic Laboratories, Greenwood Genetic Center
Classification: Uncertain significance. Last evaluated: 2023-10-12. Review status: criteria provided, single submitter. Criteria: ACMG Guidelines, 2015. Collection method: clinical testing. Allele origin: germline. Affected: yes.
Comment: PM2

Blueprint Genetics
Classification: Uncertain significance. Last evaluated: 2019-09-26. Review status: criteria provided, single submitter. Criteria: ACMG Guidelines, 2015. Collection method: clinical testing. Allele origin: germline.